The following is an entry in ClinVar:

ClinVar aggregate classification (germline): Likely benign (1 of 4 stars; one submission).

Allele frequency attached by ClinVar (database versions not stated): gnomAD exomes 0.00213; ExAC 0.00603; gnomAD 0.01406; TOPMed 0.01595; ESP Exome Variant Server 0.01645; 1000 Genomes Project 0.01757; 1000 Genomes Project 30x 0.01765.
gnomAD v4.1: 5,368 of 1,613,860 alleles (0.33%); highest among the groups gnomAD compares: African/African-American, 4.7%; 94 homozygotes.

Submission:

CeGaT Center for Human Genetics Tuebingen
Classification: Likely benign. Last evaluated: 2025-02-01. Review status: criteria provided, single submitter. Criteria: CeGaT Center For Human Genetics Tuebingen Variant Classification Criteria Version 2. Collection method: clinical testing. Allele origin: germline. Affected: yes. Observed: 2 variant alleles.
Comment: SLC4A2: BP4, BS2

NM_003040.4(SLC4A2):c.2191+3G>A

Gene: SLC4A2 (solute carrier family 4 member 2; plus strand). Cytogenetic location: 7q36.1.
Variant type: single nucleotide variant.
Coding change: c.2191+3G>A on transcript NM_003040.4 (MANE Select); 3 bases into the intron after coding-DNA position 2191, G replaced by A.
Molecular consequence: intron variant.
Genome position (GRCh38, 1-based): chr7:151,071,608, G>A. VCF-style: chr7-151071608-G-A. GRCh37 (hg19) VCF-style: chr7-150768695-G-A.
Other names: c.2191+3G>A (NM_001199692.3); c.2164+3G>A (NM_001199693.1); c.2149+3G>A (NM_001199694.2).
Identifiers: ClinVar variation 3067257 (VCV003067257.21), dbSNP rs2303936, ClinGen allele CA4571313.